The following is an entry in ClinVar:

ClinVar aggregate classification (germline): Uncertain significance. Review status: criteria provided, multiple submitters, no conflicts (2 of 4 stars). 2 submissions from 2 submitters: Uncertain significance (2). Last evaluated 2025-01-23.

Conditions:
Cardiovascular phenotype. Identifiers: MedGen CN230736.

Allele frequency attached by ClinVar (database versions not stated): ESP Exome Variant Server 0.00008; gnomAD exomes 0.00001; TOPMed 0.00002.
gnomAD v4.1: 2 of 1,614,042 alleles (0.00012%); highest among the groups gnomAD compares: African/African-American, 0.0027%; no homozygotes.

Submissions (2):

Ambry Genetics
Classification: Uncertain significance for Cardiovascular phenotype. Last evaluated: 2025-01-23. Review status: criteria provided, single submitter. Criteria: Ambry Variant Classification Scheme 2023. Collection method: clinical testing. Allele origin: germline.

GeneDx
Classification: Uncertain significance. Last evaluated: 2020-01-23. Review status: criteria provided, single submitter. Criteria: GeneDx Variant Classification Process June 2021. Collection method: clinical testing. Allele origin: germline. Affected: yes.
Comment: Has not been previously published as pathogenic or benign to our knowledge; Not observed at a significant frequency in large population cohorts (Lek et al., 2016); In silico analysis, which includes protein predictors and evolutionary conservation, supports a deleterious effect

NM_001148.6(ANK2):c.9376G>A (p.Asp3126Asn)

Gene: ANK2 (ankyrin 2; plus strand). Cytogenetic location: 4q26.
Variant type: single nucleotide variant.
Coding change: c.9376G>A on transcript NM_001148.6 (MANE Select); coding-DNA position 9376, G replaced by A.
Protein change: p.Asp3126Asn; replaces aspartic acid 3126 with asparagine.
Molecular consequence: missense variant. On other transcripts: intron variant (68).
Genome position (GRCh38, 1-based): chr4:113,357,994, G>A. VCF-style: chr4-113357994-G-A. GRCh37 (hg19) VCF-style: chr4-114279150-G-A.
Other names: c.9142G>A, p.Asp3048Asn (NM_001386142.1); c.5776G>A, p.Asp1926Asn (NM_001386166.1); c.9517G>A, p.Asp3173Asn (NM_001386174.1); c.9493G>A, p.Asp3165Asn (NM_001386175.1); c.4412-2829G>A (NM_001386186.2, NM_001386148.2); c.4214-2829G>A (NM_001354269.3); c.4292-2829G>A (NM_001386187.2); c.4253-2829G>A (NM_001386147.1); and 35 more; short protein forms D1926N, D3048N, D3126N, D3165N, D3173N.
Identifiers: ClinVar variation 1317774 (VCV001317774.3), dbSNP rs150935260, ClinGen allele CA103817357.